The following is an entry in ClinVar:

NM_001085458.2(CTNND1):c.2363A>G (p.Glu788Gly)

Genes: CTNND1 (catenin delta 1; plus strand), TMX2-CTNND1 (TMX2-CTNND1 readthrough (NMD candidate); plus strand). Cytogenetic location: 11q12.1.
Variant type: single nucleotide variant.
Coding change: c.2363A>G on transcript NM_001085458.2 (MANE Select); coding-DNA position 2363, A replaced by G.
Protein change: p.Glu788Gly; replaces glutamic acid 788 with glycine.
Molecular consequence: missense variant. On other transcripts: non-coding transcript variant (1).
Genome position (GRCh38, 1-based): chr11:57,809,394, A>G. VCF-style: chr11-57809394-A-G. GRCh37 (hg19) VCF-style: chr11-57576866-A-G.
Other names: c.2042A>G, p.Glu681Gly (NM_001085464.2, NM_001085465.2, NM_001085467.2 and 3 more transcripts); c.2060A>G, p.Glu687Gly (NM_001085466.2, NM_001085463.2); c.2201A>G, p.Glu734Gly (NM_001206883.2, NM_001206884.2); c.2363A>G, p.Glu788Gly (NM_001206885.2); c.2345A>G, p.Glu782Gly (NM_001085459.2, NM_001085460.2, NM_001085461.2 and 2 more transcripts); c.2183A>G, p.Glu728Gly (NM_001206886.2, NM_001206887.2, NM_001206888.2 and 2 more transcripts); short protein forms E681G, E687G, E728G, E734G, E782G, E788G.
Identifiers: ClinVar variation 4529621 (VCV004529621.1).

ClinVar aggregate classification (germline): Uncertain significance (1 of 4 stars; one submission).

Submission:

GeneDx
Classification: Uncertain significance. Last evaluated: 2025-05-16. Review status: criteria provided, single submitter. Criteria: GeneDx Variant Classification Process June 2021. Collection method: clinical testing. Allele origin: germline. Affected: yes.
Comment: Not observed at significant frequency in large population cohorts (gnomAD); In silico analysis suggests that this missense variant does not alter protein structure/function; Has not been previously published as pathogenic or benign to our knowledge